The following is an entry in ClinVar:

ClinVar aggregate classification (germline): Benign/Likely benign. Review status: criteria provided, multiple submitters, no conflicts (2 of 4 stars). 3 submissions from 3 submitters: Benign (1); Likely benign (2). Last evaluated 2025-06-09.

Conditions:
Hereditary nonpolyposis colorectal neoplasms. Identifiers: MedGen C0009405, MeSH D003123.
Lynch syndrome 4 (LYNCH4). Also called: Colorectal cancer, hereditary nonpolyposis, type 4; Hereditary non-polyposis colorectal cancer, type 4. Identifiers: Orphanet 144, MedGen C1838333, MONDO:0013699, OMIM 614337. Disease mechanism: loss of function.
Hereditary cancer-predisposing syndrome. Also called: Neoplastic Syndromes, Hereditary; Tumor predisposition; Hereditary Cancer Syndrome; Hereditary neoplastic syndrome. Identifiers: Orphanet 140162, MedGen C0027672, MeSH D009386, MONDO:0015356.

Submissions (3):

Labcorp Genetics (formerly Invitae), Labcorp
Classification: Likely benign for Hereditary nonpolyposis colorectal neoplasms. Last evaluated: 2025-06-09. Review status: criteria provided, single submitter. Criteria: Invitae Variant Classification Sherloc (09022015). Collection method: clinical testing. Allele origin: germline.

Myriad Genetics, Inc.
Classification: Benign for Lynch syndrome 4. Last evaluated: 2025-02-04. Review status: criteria provided, single submitter. Criteria: Myriad Autosomal Dominant, Autosomal Recessive and X-Linked Classification Criteria (2023). Collection method: clinical testing. Allele origin: unknown.
Comment: This variant is considered benign. This variant is a silent/synonymous amino acid change and it is not expected to impact splicing.

Ambry Genetics
Classification: Likely benign for Hereditary cancer-predisposing syndrome. Last evaluated: 2018-09-26. Review status: criteria provided, single submitter. Criteria: Ambry Variant Classification Scheme 2023. Collection method: clinical testing. Allele origin: germline.

NM_000535.7(PMS2):c.2544A>G (p.Pro848=)

Gene: PMS2 (PMS1 homolog 2, mismatch repair system component; minus strand). Cytogenetic location: 7p22.1.
Variant type: single nucleotide variant.
Coding change: c.2544A>G on transcript NM_000535.7 (MANE Select); coding-DNA position 2544, A replaced by G.
Protein change: p.Pro848=; no amino-acid change (proline 848 retained).
Molecular consequence: synonymous variant. On other transcripts: non-coding transcript variant (1).
Genome position (GRCh38, 1-based): chr7:5,973,444, T>C on the plus strand (A>G on the coding strand, the complement: PMS2 is on the minus strand). VCF-style: chr7-5973444-T-C. GRCh37 (hg19) VCF-style: chr7-6013075-T-C.
Other names: c.2139A>G, p.Pro713= (NM_001322003.2, NM_001322004.2, NM_001322005.2); c.2388A>G, p.Pro796= (NM_001322006.2); c.2226A>G, p.Pro742= (NM_001322007.2, NM_001322008.2); c.2172A>G, p.Pro724= (NM_001322009.2); c.1983A>G, p.Pro661= (NM_001322010.2); c.1611A>G, p.Pro537= (NM_001322011.2, NM_001322012.2); c.1971A>G, p.Pro657= (NM_001322013.2); c.2577A>G, p.Pro859= (NM_001322014.2); and 1 more.
Identifiers: ClinVar variation 821447 (VCV000821447.13), dbSNP rs1583269135, ClinGen allele CA453642032.